The following is an entry in ClinVar:

NM_015100.4(POGZ):c.1526dup (p.Met510fs)

Gene: POGZ (pogo transposable element derived with ZNF domain; minus strand). Cytogenetic location: 1q21.3.
Variant type: Duplication.
Coding change: c.1526dup on transcript NM_015100.4 (MANE Select); coding-DNA position 1526, one base duplicated (T; older notation c.1526dupT).
Protein change: p.Met510fs; shifts the reading frame from methionine 510.
Molecular consequence: frameshift variant.
Genome position (GRCh38, 1-based): chr1:151,423,549, A duplicated on the plus strand (T on the coding strand, the reverse complement: POGZ is on the minus strand); the first of 2 consecutive A bases (chr1:151,423,549-151,423,550); duplicating either gives the same sequence. VCF-style (leftmost placement, unchanged base first): chr1-151423548-G-GA. GRCh37 (hg19) VCF-style: chr1-151396024-G-GA.
Other names: c.1499dup, p.Met501fs (NM_001194937.2); c.1340dup, p.Met448fs (NM_001194938.2); c.1547dup, p.Met517fs (NM_001410860.1); c.1241dup, p.Met415fs (NM_145796.4); c.1367dup, p.Met457fs (NM_207171.2); short protein forms M448fs, M457fs, M501fs, M517fs, M415fs, M510fs.
Identifiers: ClinVar variation 2808922 (VCV002808922.3), dbSNP rs2529428468, ClinGen allele CA2739275260.
Genomic context (GRCh38, chr1:151,423,548, plus strand): 5'-GTGACCATCTACCTCACCGTTCTGCTGATCGAGTTCTACGTGGTGTTTCATATGGTTCAT[G>GA]AATCTGTAATAAAGCACAAAGAGAAAGTACAGAAAACATAAAAAATTGGTAGCCTTTTAG-3'

ClinVar aggregate classification (germline): Pathogenic (1 of 4 stars; one submission).

Submission:

Labcorp Genetics (formerly Invitae), Labcorp
Classification: Pathogenic. Last evaluated: 2022-10-19. Review status: criteria provided, single submitter. Criteria: Invitae Variant Classification Sherloc (09022015). Collection method: clinical testing. Allele origin: germline.
Comment: This sequence change creates a premature translational stop signal (p.Met510Hisfs*16) in the POGZ gene. It is expected to result in an absent or disrupted protein product. Loss-of-function variants in POGZ are known to be pathogenic (PMID: 26739615, 26942287). This variant is not present in population databases (gnomAD no frequency). This variant has not been reported in the literature in individuals affected with POGZ-related conditions. For these reasons, this variant has been classified as Pathogenic.

Literature cited by the submitters: PubMed 26739615; PubMed 26942287.